The following is an entry in ClinVar:

NM_003839.4(TNFRSF11A):c.683C>T (p.Ala228Val)

Gene: TNFRSF11A (TNF receptor superfamily member 11a; plus strand). Cytogenetic location: 18q21.33.
Variant type: single nucleotide variant.
Coding change: c.683C>T on transcript NM_003839.4 (MANE Select); coding-DNA position 683, C replaced by T.
Protein change: p.Ala228Val; replaces alanine 228 with valine.
Molecular consequence: missense variant. On other transcripts: intron variant (1).
Genome position (GRCh38, 1-based): chr18:62,361,746, C>T. VCF-style: chr18-62361746-C-T. GRCh37 (hg19) VCF-style: chr18-60028979-C-T.
Other names: c.683C>T, p.Ala228Val (NM_001270949.2, NM_001270950.2); c.641C>T, p.Ala214Val (NM_001278268.2); c.616+1697C>T (NM_001270951.2); short protein forms A214V, A228V.
Identifiers: ClinVar variation 4797574 (VCV004797574.1).

ClinVar aggregate classification (germline): Uncertain significance (1 of 4 stars; one submission).

gnomAD v4.1: 1 of 1,614,140 alleles (0.000062%); highest among the groups gnomAD compares: Non-Finnish European, 0.000085%; no homozygotes.

Submission:

Labcorp Genetics (formerly Invitae), Labcorp
Classification: Uncertain significance. Last evaluated: 2025-03-07. Review status: criteria provided, single submitter. Criteria: Invitae Variant Classification Sherloc (09022015). Collection method: clinical testing. Allele origin: germline.
Comment: This sequence change replaces alanine, which is neutral and non-polar, with valine, which is neutral and non-polar, at codon 228 of the TNFRSF11A protein (p.Ala228Val). This variant is not present in population databases (gnomAD no frequency). This variant has not been reported in the literature in individuals affected with TNFRSF11A-related conditions. Invitae Evidence Modeling of protein sequence and biophysical properties (such as structural, functional, and spatial information, amino acid conservation, physicochemical variation, residue mobility, and thermodynamic stability) indicates that this missense variant is not expected to disrupt TNFRSF11A protein function with a negative predictive value of 80%. In summary, the available evidence is currently insufficient to determine the role of this variant in disease. Therefore, it has been classified as a Variant of Uncertain Significance.